The following is an entry in ClinVar:

ClinVar aggregate classification (germline): Uncertain significance (1 of 4 stars; one submission).

Conditions:
Immunodeficiency 51 (IMD51). Also called: CANDIDIASIS, FAMILIAL, 5. Identifiers: Orphanet 1334, MedGen C4310803, MONDO:0013500, OMIM 613953.

Submission:

Labcorp Genetics (formerly Invitae), Labcorp
Classification: Uncertain significance for Immunodeficiency 51. Last evaluated: 2022-05-10. Review status: criteria provided, single submitter. Criteria: Invitae Variant Classification Sherloc (09022015). Collection method: clinical testing. Allele origin: germline.
Comment: In summary, the available evidence is currently insufficient to determine the role of this variant in disease. Therefore, it has been classified as a Variant of Uncertain Significance. Experimental studies and prediction algorithms are not available or were not evaluated, and the functional significance of this variant is currently unknown. ClinVar contains an entry for this variant (Variation ID: 643358). This variant has not been reported in the literature in individuals affected with IL17RA-related conditions. This variant is present in population databases (rs759229877, gnomAD 0.003%). This variant, c.2217_2219del, results in the deletion of 1 amino acid(s) of the IL17RA protein (p.Leu740del), but otherwise preserves the integrity of the reading frame.

NM_014339.7(IL17RA):c.2214CCT[1] (p.Leu740del)

Gene: IL17RA (interleukin 17 receptor A; plus strand). Cytogenetic location: 22q11.1.
Variant type: Microsatellite.
Coding change: c.2214CCT[1] on transcript NM_014339.7 (MANE Select); one copy of the 3-base unit CCT starting at c.2214; the reference has two copies in a row; one copy, 3 bases deleted; also written c.2217_2219del.
Protein change: p.Leu740del; deletes leucine 740.
Molecular consequence: inframe deletion.
Genome position (GRCh38, 1-based): chr22:17,109,436-17,109,438, CCT deleted; deleting any 3 consecutive bases within chr22:17,109,433-17,109,438 gives the same sequence; the position shown is the placement nearest the transcript's 3' end. VCF-style (leftmost placement, unchanged base first): chr22-17109432-ACCT-A. GRCh37 (hg19) VCF-style: chr22-17590322-ACCT-A.
Other names: c.2217_2219del (NM_014339.6); c.2112CCT[1], p.Leu706del (NM_001289905.2); short protein forms L740del, L706del.
Identifiers: ClinVar variation 643358 (VCV000643358.9), dbSNP rs759229877, ClinGen allele CA10086938.